The following is an entry in ClinVar:

NM_001386298.1(CIC):c.2795-2056C>T

Gene: CIC (capicua transcriptional repressor; plus strand). Cytogenetic location: 19q13.2.
Variant type: single nucleotide variant.
Coding change: c.2795-2056C>T on transcript NM_001386298.1 (MANE Select); 2056 bases into the intron before coding-DNA position 2795, C replaced by T.
Molecular consequence: intron variant. On other transcripts: missense variant (3).
Genome position (GRCh38, 1-based): chr19:42,284,715, C>T. VCF-style: chr19-42284715-C-T. GRCh37 (hg19) VCF-style: chr19-42788867-C-T.
Other names: c.11C>T, p.Ala4Val (NM_001379484.1, NM_001379485.1, NM_015125.5); c.2795-2056C>T (NM_001304815.2, NM_001379482.1, NM_001379480.1); short protein forms A4V.
Identifiers: ClinVar variation 3360967 (VCV003360967.2).

ClinVar aggregate classification (germline): Uncertain significance. Review status: criteria provided, multiple submitters, no conflicts (2 of 4 stars). 2 submissions from 2 submitters: Uncertain significance (2). Last evaluated 2025-10-24.

Conditions:
Inborn genetic diseases. Identifiers: MedGen C0950123, MeSH D030342.

Submissions (2):

Ambry Genetics
Classification: Uncertain significance for Inborn genetic diseases. Last evaluated: 2025-10-24. Review status: criteria provided, single submitter. Criteria: Ambry Variant Classification Scheme 2023. Collection method: clinical testing. Allele origin: germline.

GeneDx
Classification: Uncertain significance. Last evaluated: 2023-07-16. Review status: criteria provided, single submitter. Criteria: GeneDx Variant Classification Process June 2021. Collection method: clinical testing. Allele origin: germline. Affected: yes.
Comment: Not observed at significant frequency in large population cohorts (gnomAD); In silico analysis supports that this missense variant does not alter protein structure/function; Has not been previously published as pathogenic or benign to our knowledge